The following is an entry in ClinVar:

ClinVar aggregate classification (germline): Uncertain significance (1 of 4 stars; one submission).

Submission:

Mayo Clinic Laboratories, Mayo Clinic
Classification: Uncertain significance. Last evaluated: 2025-06-19. Review status: criteria provided, single submitter. Criteria: ACMG Guidelines, 2015. Collection method: clinical testing. Allele origin: germline. Observed: 1 variant allele.
Comment: BP4_moderate, PM2_supporting

NM_001129.5(AEBP1):c.3049C>G (p.Arg1017Gly)

Gene: AEBP1 (AE binding protein 1; plus strand). Cytogenetic location: 7p13.
Variant type: single nucleotide variant.
Coding change: c.3049C>G on transcript NM_001129.5 (MANE Select); coding-DNA position 3049, C replaced by G.
Protein change: p.Arg1017Gly; replaces arginine 1017 with glycine.
Molecular consequence: missense variant.
Genome position (GRCh38, 1-based): chr7:44,113,833, C>G. VCF-style: chr7-44113833-C-G. GRCh37 (hg19) VCF-style: chr7-44153432-C-G.
Other names: p.Arg1017Gly; short protein forms R1017G.
Identifiers: ClinVar variation 4541285 (VCV004541285.1).